The following is an entry in ClinVar:

ClinVar aggregate classification (germline): Uncertain significance. Review status: criteria provided, multiple submitters, no conflicts (2 of 4 stars). 2 submissions from 2 submitters: Uncertain significance (2). Last evaluated 2021-08-25.

Conditions:
Familial cold autoinflammatory syndrome 2 (FCAS2). Identifiers: Orphanet 247868, MedGen C2673198, MONDO:0012724, OMIM 611762.

gnomAD v4.1: 1 of 1,613,912 alleles (0.000062%); highest among the groups gnomAD compares: Non-Finnish European, 0.000085%; no homozygotes.

Submissions (2):

Blueprint Genetics
Classification: Uncertain significance. Last evaluated: 2021-08-25. Review status: criteria provided, single submitter. Criteria: ACMG Guidelines, 2015. Collection method: clinical testing. Allele origin: germline.

Center for Genomics, Ann and Robert H. Lurie Children's Hospital of Chicago
Classification: Uncertain significance for Familial cold autoinflammatory syndrome 2. Last evaluated: 2021-03-30. Review status: criteria provided, single submitter. Criteria: ACMG Guidelines, 2015. Collection method: clinical testing. Allele origin: germline.
Comment: NLRP12 NM_144687 exon 1 p.Gly89Arg (c.265G>C): This variant has not been reported in the literature but is present in 1/5462 alleles in the Genome Aggregation Database. Evolutionary conservation and computational predictive tools for this variant are unclear. In summary, data on this variant is insufficient for disease classification. Therefore, the clinical significance of this variant is uncertain.

NM_144687.4(NLRP12):c.265G>C (p.Gly89Arg)

Gene: NLRP12 (NLR family pyrin domain containing 12; minus strand). Cytogenetic location: 19q13.42.
Variant type: single nucleotide variant.
Coding change: c.265G>C on transcript NM_144687.4 (MANE Select); coding-DNA position 265, G replaced by C.
Protein change: p.Gly89Arg; replaces glycine 89 with arginine.
Molecular consequence: missense variant.
Genome position (GRCh38, 1-based): chr19:53,823,910, C>G on the plus strand (G>C on the coding strand, the complement: NLRP12 is on the minus strand). VCF-style: chr19-53823910-C-G. GRCh37 (hg19) VCF-style: chr19-54327164-C-G.
Other names: c.265G>C, p.Gly89Arg (NM_001277126.2, NM_001277129.1); short protein forms G89R.
Identifiers: ClinVar variation 2500066 (VCV002500066.2), dbSNP rs753292620, ClinGen allele CA9639803.